The following is an entry in ClinVar:

NM_025137.4(SPG11):c.5867-1G>T

Gene: SPG11 (SPG11 vesicle trafficking associated, spatacsin; minus strand). Cytogenetic location: 15q21.1.
Variant type: single nucleotide variant.
Coding change: c.5867-1G>T on transcript NM_025137.4 (MANE Select); the canonical splice acceptor site of the intron before coding-DNA position 5867, G replaced by T.
Molecular consequence: splice acceptor variant. On other transcripts: intron variant (1).
Genome position (GRCh38, 1-based): chr15:44,575,042, C>A on the plus strand (G>T on the coding strand, the complement: SPG11 is on the minus strand). VCF-style: chr15-44575042-C-A. GRCh37 (hg19) VCF-style: chr15-44867240-C-A.
Other names: c.5723-1G>T (NM_001411132.1); c.5867-2222G>T (NM_001160227.2).
Identifiers: ClinVar variation 406505 (VCV000406505.11), dbSNP rs1060501168, ClinGen allele CA16614459.
Genomic context (GRCh38, chr15:44,575,042, plus strand): 5'-TAGTTACCACTTCATTACTGGAGGGCACTGTCACAAACTTCTGACTATCCAGACTTGAAG[C>A]TGGAAGCAAATACAAGTCTGAGGGGCTCTAAGCTGGGAGGTTCTGGCCTCTCCCTAGCTC-3'

ClinVar aggregate classification (germline): Pathogenic. Review status: criteria provided, multiple submitters, no conflicts (2 of 4 stars). 2 submissions from 2 submitters: Pathogenic (2). Last evaluated 2025-01-08.

Conditions:
Hereditary spastic paraplegia 11. Also called: Spastic Paraplegia 11; Spastic paraplegia, mental retardation and thin corpus callosum; Nakamura Osame syndrome; Autosomal recessive hereditary spastic paraplegia, mental impairment, and thin corpus callosum; SPASTIC PARAPLEGIA, AUTOSOMAL RECESSIVE, COMPLICATED, WITH THIN CORPUS CALLOSUM; SPASTIC PARAPLEGIA, AUTOSOMAL RECESSIVE, WITH MENTAL IMPAIRMENT AND THIN CORPUS CALLOSUM. Identifiers: Orphanet 2822, MedGen C1858479, MONDO:0011445, OMIM 604360.

Submissions (2):

Mayo Clinic Laboratories, Mayo Clinic
Classification: Pathogenic. Last evaluated: 2025-01-08. Review status: criteria provided, single submitter. Criteria: ACMG Guidelines, 2015. Collection method: clinical testing. Allele origin: germline. Observed: 1 variant allele.
Comment: PM2_supporting, PM3, PVS1

Labcorp Genetics (formerly Invitae), Labcorp
Classification: Pathogenic for Hereditary spastic paraplegia 11. Last evaluated: 2024-01-14. Review status: criteria provided, single submitter. Criteria: Invitae Variant Classification Sherloc (09022015). Collection method: clinical testing. Allele origin: germline.
Comment: This sequence change affects an acceptor splice site in intron 30 of the SPG11 gene. It is expected to disrupt RNA splicing. Variants that disrupt the donor or acceptor splice site typically lead to a loss of protein function (PMID: 16199547), and loss-of-function variants in SPG11 are known to be pathogenic (PMID: 19105190, 20110243, 22154821, 26556829). This variant is not present in population databases (gnomAD no frequency). Disruption of this splice site has been observed in individual(s) with hereditary spastic paraplegia (PMID: 9536098, 17576681, 27256065). It has also been observed to segregate with disease in related individuals. ClinVar contains an entry for this variant (Variation ID: 406505). Algorithms developed to predict the effect of sequence changes on RNA splicing suggest that this variant may disrupt the consensus splice site. For these reasons, this variant has been classified as Pathogenic.

Literature cited by the submitters: PubMed 27256065 (cited by Mayo Clinic Laboratories, Mayo Clinic and Labcorp Genetics (formerly Invitae), Labcorp); PubMed 16199547 (cited by Labcorp Genetics (formerly Invitae), Labcorp); PubMed 19105190 (cited by Labcorp Genetics (formerly Invitae), Labcorp); PubMed 20110243 (cited by Labcorp Genetics (formerly Invitae), Labcorp); PubMed 22154821 (cited by Labcorp Genetics (formerly Invitae), Labcorp); PubMed 26556829 (cited by Labcorp Genetics (formerly Invitae), Labcorp); PubMed 9536098 (cited by Labcorp Genetics (formerly Invitae), Labcorp); PubMed 17576681 (cited by Labcorp Genetics (formerly Invitae), Labcorp).